The following is an entry in ClinVar:

NM_000350.3(ABCA4):c.6306C>A (p.Asp2102Glu)

Gene: ABCA4 (ATP binding cassette subfamily A member 4; minus strand). Cytogenetic location: 1p22.1.
Variant type: single nucleotide variant.
Coding change: c.6306C>A on transcript NM_000350.3 (MANE Select); coding-DNA position 6306, C replaced by A.
Protein change: p.Asp2102Glu; replaces aspartic acid 2102 with glutamic acid.
Molecular consequence: missense variant.
Genome position (GRCh38, 1-based): chr1:94,001,082, G>T on the plus strand (C>A on the coding strand, the complement: ABCA4 is on the minus strand). VCF-style: chr1-94001082-G-T. GRCh37 (hg19) VCF-style: chr1-94466638-G-T.
Other names: c.6084C>A, p.Asp2028Glu (NM_001425324.1); short protein forms D2102E, D2028E.
Identifiers: ClinVar variation 965953 (VCV000965953.11), dbSNP rs568627877, ClinGen allele CA956910.

ClinVar aggregate classification (germline): Pathogenic. Review status: criteria provided, multiple submitters, no conflicts (2 of 4 stars). 4 submissions from 4 submitters: Pathogenic (3). 1 of the submissions does not count toward it. Last evaluated 2025-05-27.

Conditions:
ABCA4-related disorder. Also called: ABCA4-related disorders; ABCA4-related condition. Identifiers: MedGen CN239167.
Stargardt disease (FFM). Also called: Fundus flavimaculatus; Stargardt's disease. Identifiers: Orphanet 827, MedGen C0271093, MONDO:0019353.
Severe early-childhood-onset retinal dystrophy (STGD1). Also called: STGD; Stargardt macular dystrophy; Juvenile onset macular degeneration; Stargardt disease 1; MACULAR DYSTROPHY WITH FLECKS, TYPE 1. Identifiers: Orphanet 364055, Orphanet 827, MedGen C1855465, MeSH D000080362, MONDO:0009549, OMIM 248200.

Allele frequency attached by ClinVar (database versions not stated): gnomAD 0.00001; 1000 Genomes Project 30x 0.00016; 1000 Genomes Project 0.00020.
gnomAD v4.1: 7 of 1,614,068 alleles (0.00043%); highest among the groups gnomAD compares: Admixed American, 0.01%; no homozygotes.

Submissions (4):

Labcorp Genetics (formerly Invitae), Labcorp
Classification: Pathogenic. Last evaluated: 2025-05-27. Review status: criteria provided, single submitter. Criteria: Invitae Variant Classification Sherloc (09022015). Collection method: clinical testing. Allele origin: germline.
Comment: This sequence change replaces aspartic acid, which is acidic and polar, with glutamic acid, which is acidic and polar, at codon 2102 of the ABCA4 protein (p.Asp2102Glu). This variant is present in population databases (rs568627877, gnomAD 0.01%). This missense change has been observed in individuals with ABCA4-related conditions (PMID: 21911583, 28945494; internal data). It has also been observed to segregate with disease in related individuals. ClinVar contains an entry for this variant (Variation ID: 965953). Invitae Evidence Modeling of protein sequence and biophysical properties (such as structural, functional, and spatial information, amino acid conservation, physicochemical variation, residue mobility, and thermodynamic stability) indicates that this missense variant is expected to disrupt ABCA4 protein function with a positive predictive value of 95%. For these reasons, this variant has been classified as Pathogenic.

Women's Health and Genetics/Laboratory Corporation of America, LabCorp
Classification: Pathogenic for Stargardt disease. Last evaluated: 2024-11-15. Review status: criteria provided, single submitter. Criteria: LabCorp Variant Classification Summary - May 2015. Collection method: clinical testing. Allele origin: germline.
Comment: Variant summary: ABCA4 c.6306C>A (p.Asp2102Glu) results in a conservative amino acid change located in the ATP-binding cassette, ABC transporter-type domain (IPR003439) of the encoded protein sequence. Four of five in-silico tools predict a damaging effect of the variant on protein function. The variant allele was found at a frequency of 2.8e-05 in 251096 control chromosomes (gnomAD). c.6306C>A has been reported in the literature in multiple individuals affected with Stargardt Disease or related conditions (e.g. Zernant_2011, Villanueva_2018, Cornelis_2022). These data indicate that the variant is very likely to be associated with disease. The following publications have been ascertained in the context of this evaluation (PMID: 21911583, 28945494, 35120629). ClinVar contains an entry for this variant (Variation ID: 965953). Based on the evidence outlined above, the variant was classified as pathogenic.

Blueprint Genetics
Classification: Pathogenic for ABCA4-related disorders. Last evaluated: 2022-03-21. Review status: criteria provided, single submitter. Criteria: ACMG Guidelines, 2015. Collection method: clinical testing. Allele origin: germline. Affected: yes. Observed: 4 variant alleles.

Ophthalmo-Genetics Lab, Instituto de Oftalmologia Conde de Valenciana
Classification: Likely pathogenic for Severe early-childhood-onset retinal dystrophy. Review status: no assertion criteria provided. Collection method: research. Allele origin: germline. Inheritance: Autosomal recessive inheritance. Affected: yes. Not counted in ClinVar's aggregate classification.

Literature cited by the submitters: PubMed 21911583 (cited by 3 submitters); PubMed 28945494 (cited by Labcorp Genetics (formerly Invitae), Labcorp and Women's Health and Genetics/Laboratory Corporation of America, LabCorp); PubMed 35120629 (cited by Women's Health and Genetics/Laboratory Corporation of America, LabCorp).